The following is an entry in ClinVar:

ClinVar aggregate classification (germline): Conflicting classifications of pathogenicity. Review status: criteria provided, conflicting classifications (1 of 4 stars). 2 submissions from 2 submitters: Uncertain significance (1); Likely benign (1). Last evaluated 2026-08-26.

Conditions:
PCNT-related disorder. Also called: PCNT-related condition.

Allele frequency attached by ClinVar (database versions not stated): gnomAD exomes below 0.00001; ExAC 0.00001.
gnomAD v4.1: 3 of 1,613,374 alleles (0.00019%); highest among the groups gnomAD compares: Non-Finnish European, 0.00025%; no homozygotes.

Submissions (2):

PreventionGenetics, part of Exact Sciences
Classification: Likely benign for PCNT-related condition. Last evaluated: 2026-08-26. Review status: criteria provided, single submitter. Criteria: ACMG Guidelines, 2015. Collection method: clinical testing. Allele origin: germline.
Comment: This variant is classified as likely benign based on ACMG/AMP sequence variant interpretation guidelines (Richards et al. 2015 PMID: 25741868, with internal and published modifications).

Labcorp Genetics (formerly Invitae), Labcorp
Classification: Uncertain significance. Last evaluated: 2022-07-30. Review status: criteria provided, single submitter. Criteria: Invitae Variant Classification Sherloc (09022015). Collection method: clinical testing. Allele origin: germline.
Comment: This sequence change affects codon 560 of the PCNT mRNA. It is a 'silent' change, meaning that it does not change the encoded amino acid sequence of the PCNT protein. It affects a nucleotide within the consensus splice site. This variant is present in population databases (rs776315384, gnomAD 0.002%). This variant has not been reported in the literature in individuals affected with PCNT-related conditions. Algorithms developed to predict the effect of sequence changes on RNA splicing suggest that this variant is not likely to affect RNA splicing. In summary, the available evidence is currently insufficient to determine the role of this variant in disease. Therefore, it has been classified as a Variant of Uncertain Significance.

NM_006031.6(PCNT):c.1680G>A (p.Gly560=)

Gene: PCNT (pericentrin; plus strand). Cytogenetic location: 21q22.3.
Variant type: single nucleotide variant.
Coding change: c.1680G>A on transcript NM_006031.6 (MANE Select); coding-DNA position 1680, G replaced by A.
Protein change: p.Gly560=; no amino-acid change (glycine 560 retained).
Molecular consequence: synonymous variant.
Genome position (GRCh38, 1-based): chr21:46,353,987, G>A. VCF-style: chr21-46353987-G-A. GRCh37 (hg19) VCF-style: chr21-47773901-G-A.
Other names: c.1326G>A, p.Gly442= (NM_001315529.2); c.1680G>A (NM_006031.5).
Identifiers: ClinVar variation 1938187 (VCV001938187.3), dbSNP rs776315384, ClinGen allele CA10078709.